The following is an entry in ClinVar:

ClinVar aggregate classification (germline): Uncertain significance (1 of 4 stars; one submission).

Allele frequency attached by ClinVar (database versions not stated): gnomAD exomes below 0.00001; TOPMed below 0.00001.
gnomAD v4.1: 1 of 1,614,236 alleles (0.000062%); highest among the groups gnomAD compares: Non-Finnish European, 0.000085%; no homozygotes.

Submission:

Labcorp Genetics (formerly Invitae), Labcorp
Classification: Uncertain significance. Last evaluated: 2020-06-13. Review status: criteria provided, single submitter. Criteria: Invitae Variant Classification Sherloc (09022015). Collection method: clinical testing. Allele origin: germline.
Comment: This sequence change replaces glutamic acid with glycine at codon 2130 of the SNRNP200 protein (p.Glu2130Gly). The glutamic acid residue is moderately conserved and there is a moderate physicochemical difference between glutamic acid and glycine. This variant is not present in population databases (ExAC no frequency). This variant has not been reported in the literature in individuals with SNRNP200-related conditions. Algorithms developed to predict the effect of missense changes on protein structure and function are either unavailable or do not agree on the potential impact of this missense change (SIFT: "Deleterious"; PolyPhen-2: "Benign"; Align-GVGD: "Class C0"). In summary, the available evidence is currently insufficient to determine the role of this variant in disease. Therefore, it has been classified as a Variant of Uncertain Significance.

NM_014014.5(SNRNP200):c.6389A>G (p.Glu2130Gly)

Gene: SNRNP200 (small nuclear ribonucleoprotein U5 subunit 200; minus strand). Cytogenetic location: 2q11.2.
Variant type: single nucleotide variant.
Coding change: c.6389A>G on transcript NM_014014.5 (MANE Select); coding-DNA position 6389, A replaced by G.
Protein change: p.Glu2130Gly; replaces glutamic acid 2130 with glycine.
Molecular consequence: missense variant.
Genome position (GRCh38, 1-based): chr2:96,275,034, T>C on the plus strand (A>G on the coding strand, the complement: SNRNP200 is on the minus strand). VCF-style: chr2-96275034-T-C. GRCh37 (hg19) VCF-style: chr2-96940772-T-C.
Other names: short protein forms E2130G.
Identifiers: ClinVar variation 1052596 (VCV001052596.9), dbSNP rs1489562732, ClinGen allele CA347653925.
Genomic context (GRCh38, chr2:96,275,034, plus strand): 5'-CTCAACTCTCCTTTACCCAAAAGTAAATGCCTCAGGACTCAATCTGAATCACTGTCTGTC[T>C]CAGCTTCTTTCACATCCACGCTGAATTTGTACTCCTGGTCACATCCCATGTAAGCGTCAC-3'
Protein context (NP_054733.2, residues 2120-2136): YKFSVDVKEA[Glu2130Gly]TDSDSD